The following is an entry in ClinVar:

NM_001482.3(GATM):c.614A>C (p.His205Pro)

Gene: GATM (glycine amidinotransferase; minus strand). Cytogenetic location: 15q21.1.
Variant type: single nucleotide variant.
Coding change: c.614A>C on transcript NM_001482.3 (MANE Select); coding-DNA position 614, A replaced by C.
Protein change: p.His205Pro; replaces histidine 205 with proline.
Molecular consequence: missense variant.
Genome position (GRCh38, 1-based): chr15:45,368,131, T>G on the plus strand (A>C on the coding strand, the complement: GATM is on the minus strand). VCF-style: chr15-45368131-T-G. GRCh37 (hg19) VCF-style: chr15-45660329-T-G.
Other names: c.227A>C, p.His76Pro (NM_001321015.2); short protein forms H205P, H76P.
Identifiers: ClinVar variation 2745644 (VCV002745644.3), dbSNP rs1889478297, ClinGen allele CA392260779.

ClinVar aggregate classification (germline): Uncertain significance (1 of 4 stars; one submission).

Conditions:
Arginine:glycine amidinotransferase deficiency (CCDS3). Also called: L-Arginine:Glycine Amidinotransferase (AGAT) Deficiency; AGAT deficiency; L-Arginine:Glycine Amidinotransferase Deficiency; Creatine deficiency syndrome due to AGAT deficiency; GATM deficiency; Cerebral creatine deficiency syndrome 3. Identifiers: Orphanet 35704, MedGen C2675179, MONDO:0012996, OMIM 612718.

Allele frequency attached by ClinVar (database versions not stated): TOPMed 0.00001; gnomAD 0.00001.
gnomAD v4.1: 1 of 1,613,944 alleles (0.000062%); highest among the groups gnomAD compares: Non-Finnish European, 0.000085%; no homozygotes.

Submission:

Labcorp Genetics (formerly Invitae), Labcorp
Classification: Uncertain significance for Arginine:glycine amidinotransferase deficiency. Last evaluated: 2025-07-09. Review status: criteria provided, single submitter. Criteria: Invitae Variant Classification Sherloc (09022015). Collection method: clinical testing. Allele origin: germline.
Comment: This sequence change replaces histidine, which is basic and polar, with proline, which is neutral and non-polar, at codon 205 of the GATM protein (p.His205Pro). This variant is not present in population databases (gnomAD no frequency). This variant has not been reported in the literature in individuals affected with GATM-related conditions. ClinVar contains an entry for this variant (Variation ID: 2745644). Invitae Evidence Modeling of protein sequence and biophysical properties (such as structural, functional, and spatial information, amino acid conservation, physicochemical variation, residue mobility, and thermodynamic stability) indicates that this missense variant is expected to disrupt GATM protein function with a positive predictive value of 95%. In summary, the available evidence is currently insufficient to determine the role of this variant in disease. Therefore, it has been classified as a Variant of Uncertain Significance.